The following is an entry in ClinVar:

NM_001261826.3(AP3D1):c.2674T>G (p.Ser892Ala)

Gene: AP3D1 (adaptor related protein complex 3 subunit delta 1; minus strand). Cytogenetic location: 19p13.3.
Variant type: single nucleotide variant.
Coding change: c.2674T>G on transcript NM_001261826.3 (MANE Select); coding-DNA position 2674, T replaced by G.
Protein change: p.Ser892Ala; replaces serine 892 with alanine.
Molecular consequence: missense variant. On other transcripts: intron variant (1).
Genome position (GRCh38, 1-based): chr19:2,113,341, A>C on the plus strand (T>G on the coding strand, the complement: AP3D1 is on the minus strand). VCF-style: chr19-2113341-A-C. GRCh37 (hg19) VCF-style: chr19-2113340-A-C.
Other names: c.2674T>G, p.Ser892Ala (NM_001374799.1); c.2601+784T>G (NM_003938.8); short protein forms S892A.
Identifiers: ClinVar variation 1718183 (VCV001718183.5), dbSNP rs2018341684, ClinGen allele CA403206939.
Genomic context (GRCh38, chr19:2,113,341, plus strand): 5'-AGGTATGACCTCTGCAGACACCGAGGCTGGCACTGGCCAGCTGCCAGTCTCTTACCGTGG[A>C]TGGAACGGGGGCGGGGGCGGGGGCGGGGGCAGGCGGTGGGGTGGTAGACAGCCAGAAGTC-3'
Protein context (NP_001248755.1, residues 882-902): APAPAPAPVP[Ser892Ala]TGELSVNTVT

ClinVar aggregate classification (germline): Uncertain significance (1 of 4 stars; one submission).

Allele frequency attached by ClinVar (database versions not stated): gnomAD exomes below 0.00001; TOPMed below 0.00001.
gnomAD v4.1: 1 of 721,182 alleles (0.00014%); highest among the groups gnomAD compares: Non-Finnish European, 0.00019%; no homozygotes.

Submission:

Labcorp Genetics (formerly Invitae), Labcorp
Classification: Uncertain significance. Last evaluated: 2022-09-15. Review status: criteria provided, single submitter. Criteria: Invitae Variant Classification Sherloc (09022015). Collection method: clinical testing. Allele origin: germline.
Comment: This sequence change replaces serine, which is neutral and polar, with alanine, which is neutral and non-polar, at codon 892 of the AP3D1 protein (p.Ser892Ala). This variant is not present in population databases (gnomAD no frequency). This variant has not been reported in the literature in individuals affected with AP3D1-related conditions. Algorithms developed to predict the effect of missense changes on protein structure and function output the following: SIFT: "Tolerated"; PolyPhen-2: "Benign"; Align-GVGD: "Class C0". The alanine amino acid residue is found in multiple mammalian species, which suggests that this missense change does not adversely affect protein function. In summary, the available evidence is currently insufficient to determine the role of this variant in disease. Therefore, it has been classified as a Variant of Uncertain Significance.